The following is an entry in ClinVar:

NM_003072.5(SMARCA4):c.2165A>G (p.Gln722Arg)

Gene: SMARCA4 (SWI/SNF related BAF chromatin remodeling complex subunit ATPase 4; plus strand). Cytogenetic location: 19p13.2.
Variant type: single nucleotide variant.
Coding change: c.2165A>G on transcript NM_003072.5 (MANE Select); coding-DNA position 2165, A replaced by G.
Protein change: p.Gln722Arg; replaces glutamine 722 with arginine.
Molecular consequence: missense variant. On other transcripts: non-coding transcript variant (1).
Genome position (GRCh38, 1-based): chr19:11,010,422, A>G. VCF-style: chr19-11010422-A-G. GRCh37 (hg19) VCF-style: chr19-11121098-A-G.
Other names: c.2165A>G, p.Gln722Arg (NM_001128844.3, NM_001128845.2, NM_001128846.2 and 6 more transcripts); short protein forms Q722R.
Identifiers: ClinVar variation 1786970 (VCV001786970.9), dbSNP rs367789807, ClinGen allele CA305263490.

ClinVar aggregate classification (germline): Uncertain significance. Review status: criteria provided, multiple submitters, no conflicts (2 of 4 stars). 3 submissions from 3 submitters: Uncertain significance (3). Last evaluated 2023-07-17.

Conditions:
Hereditary cancer-predisposing syndrome. Also called: Neoplastic Syndromes, Hereditary; Tumor predisposition; Hereditary Cancer Syndrome; Hereditary neoplastic syndrome. Identifiers: Orphanet 140162, MedGen C0027672, MeSH D009386, MONDO:0015356.
Rhabdoid tumor predisposition syndrome 2 (RTPS2). Identifiers: Orphanet 231108, Orphanet 69077, MedGen C2750074, MONDO:0013224, OMIM 613325.

Allele frequency attached by ClinVar (database versions not stated): gnomAD 0.00001; TOPMed 0.00001; ESP Exome Variant Server 0.00008.
gnomAD v4.1: 1 of 1,614,060 alleles (0.000062%); highest among the groups gnomAD compares: African/African-American, 0.0013%; no homozygotes.

Submissions (3):

Ambry Genetics
Classification: Uncertain significance for Hereditary cancer-predisposing syndrome. Last evaluated: 2023-07-17. Review status: criteria provided, single submitter. Criteria: Ambry Variant Classification Scheme 2023. Collection method: clinical testing. Allele origin: germline.
Comment: The p.Q722R variant (also known as c.2165A>G), located in coding exon 14 of the SMARCA4 gene, results from an A to G substitution at nucleotide position 2165. The glutamine at codon 722 is replaced by arginine, an amino acid with highly similar properties. This amino acid position is well conserved in available vertebrate species. In addition, the in silico prediction for this alteration is inconclusive. Missense and in-frame variants in SMARCA4 are known to cause neurodevelopmental disorders; however, such associations with rhabdoid tumor predisposition syndrome including small cell carcinoma of the ovary-hypercalcemic type (SCCOHT) are exceedingly rare (Kosho T et al. Am J Med Genet C Semin Med Genet. 2014 Sep;166C(3):262-75; Jelinic P et al. Nat Genet. 2014 May;46(5):424-6). Based on the supporting evidence, the association of this alteration with Coffin-Siris syndrome is unknown; however, the association of this alteration with rhabdoid tumor predisposition syndrome is unlikely.

Baylor Genetics
Classification: Uncertain significance for Rhabdoid tumor predisposition syndrome 2. Last evaluated: 2023-06-15. Review status: criteria provided, single submitter. Criteria: ACMG Guidelines, 2015. Collection method: clinical testing. Allele origin: unknown.

Labcorp Genetics (formerly Invitae), Labcorp
Classification: Uncertain significance for Rhabdoid tumor predisposition syndrome 2. Last evaluated: 2021-12-20. Review status: criteria provided, single submitter. Criteria: Invitae Variant Classification Sherloc (09022015). Collection method: clinical testing. Allele origin: germline.
Comment: This sequence change replaces glutamine, which is neutral and polar, with arginine, which is basic and polar, at codon 722 of the SMARCA4 protein (p.Gln722Arg). This variant is present in population databases (rs367789807, gnomAD 0.007%). This variant has not been reported in the literature in individuals affected with SMARCA4-related conditions. Algorithms developed to predict the effect of missense changes on protein structure and function (SIFT, PolyPhen-2, Align-GVGD) all suggest that this variant is likely to be tolerated. In summary, the available evidence is currently insufficient to determine the role of this variant in disease. Therefore, it has been classified as a Variant of Uncertain Significance.